The following is an entry in ClinVar:

NM_001356.5(DDX3X):c.846C>A (p.Ile282=)

Gene: DDX3X (DEAD-box helicase 3 X-linked; plus strand). Cytogenetic location: Xp11.4.
Variant type: single nucleotide variant.
Coding change: c.846C>A on transcript NM_001356.5 (MANE Select); coding-DNA position 846, C replaced by A.
Protein change: p.Ile282=; no amino-acid change (isoleucine 282 retained).
Molecular consequence: synonymous variant. On other transcripts: non-coding transcript variant (1).
Genome position (GRCh38, 1-based): chrX:41,344,110, C>A. VCF-style: chrX-41344110-C-A. GRCh37 (hg19) VCF-style: chrX-41203363-C-A.
Other names: c.846C>A, p.Ile282= (NM_001193416.3); c.798C>A, p.Ile266= (NM_001193417.3); c.288C>A, p.Ile96= (NM_001363819.1).
Identifiers: ClinVar variation 1031222 (VCV001031222.4), dbSNP rs2063889864, ClinGen allele CA516347202.
Genomic context (GRCh38, chrX:41,344,110, plus strand): 5'-CCGCAAACAATACCCAATCTCCTTGGTATTAGCACCAACGAGAGAGTTGGCAGTACAGAT[C>A]TACGAGGAAGCCAGAAAAGTAAGTATGAGTTCCAGTGATTATTAGCTTTTTCATTGATTC-3'
Protein context (NP_001347.3, residues 272-292): LAPTRELAVQ[Ile282=]YEEARKFSYR

ClinVar aggregate classification (germline): Conflicting classifications of pathogenicity. Review status: criteria provided, conflicting classifications (1 of 4 stars). 2 submissions from 2 submitters: Uncertain significance (1); Likely benign (1). Last evaluated 2022-12-21.

Conditions:
Intellectual disability, X-linked 102 (MRXSSB). Also called: Intellectual developmental disorder, X-linked syndromic, Snijders Blok type. Identifiers: Orphanet 457260, MedGen C5393299, MONDO:0010497, OMIM 300958.

Submissions (2):

Labcorp Genetics (formerly Invitae), Labcorp
Classification: Likely benign. Last evaluated: 2022-12-21. Review status: criteria provided, single submitter. Criteria: Invitae Variant Classification Sherloc (09022015). Collection method: clinical testing. Allele origin: germline.

Baylor Genetics
Classification: Uncertain significance for Intellectual disability, X-linked 102. Last evaluated: 2019-07-24. Review status: criteria provided, single submitter. Criteria: ACMG Guidelines, 2015. Collection method: clinical testing. Allele origin: unknown. Affected: yes.
Comment: This variant was determined to be of uncertain significance according to ACMG Guidelines, 2015 [PMID:25741868].